The following is an entry in ClinVar:

ClinVar aggregate classification (germline): Likely pathogenic (1 of 4 stars; one submission).

Conditions:
Retinitis pigmentosa (RP). Identifiers: Orphanet 791, MedGen C0035334, MeSH D012174, MONDO:0019200, OMIM 268000. Inheritance: Autosomal dominant, autosomal recessive and X linked inheritance.

Submission:

Ophthalmic Genetics Group, Institute of Molecular and Clinical Ophthalmology Basel
Classification: Likely pathogenic for Retinitis pigmentosa. Last evaluated: 2023-07-24. Review status: criteria provided, single submitter. Criteria: ACMG Guidelines, 2015. Collection method: research. Allele origin: germline. Affected: yes. Observed: 1 variant allele.
Comment: Clinical significance based on ACMG v2.0

This variant was classified as Likely pathogenic based on ACMG criteria: PP3, PM2, PM3.

Literature cited by the submitters: PubMed 36909829.

NM_006343.3(MERTK):c.2209G>T (p.Val737Phe)

Gene: MERTK (MER proto-oncogene, tyrosine kinase; plus strand). Cytogenetic location: 2q13.
Variant type: single nucleotide variant.
Coding change: c.2209G>T on transcript NM_006343.3 (MANE Select); coding-DNA position 2209, G replaced by T.
Protein change: p.Val737Phe; replaces valine 737 with phenylalanine.
Molecular consequence: missense variant.
Genome position (GRCh38, 1-based): chr2:112,021,441, G>T. VCF-style: chr2-112021441-G-T. GRCh37 (hg19) VCF-style: chr2-112779018-G-T.
Other names: NC_000002.11:g.112779018G>T; NP_006334.2:p.(Val737Phe); short protein forms V737F.
Identifiers: ClinVar variation 2577519 (VCV002577519.2), dbSNP rs142721656, ClinGen allele CA348238748.